The following is an entry in ClinVar:

ClinVar aggregate classification (germline): Uncertain significance (1 of 4 stars; one submission).

Conditions:
MYH3-related disorder. Also called: MYH3-related condition; MYH3-Related Disorders. Identifiers: MedGen CN239329.

Submission:

Illumina Laboratory Services, Illumina
Classification: Uncertain significance for MYH3-related disorder. Last evaluated: 2023-08-08. Review status: criteria provided, single submitter. Criteria: ICSLVariantClassificationCriteria RUGD 01 April 2020. Collection method: clinical testing. Allele origin: unknown.
Comment: The MYH3 c.3976G>C p.(Ala1326Pro) missense variant has not, to our knowledge, been reported in the peer-reviewed literature. This variant is not observed in version 2.1.1 or version 3.1.2 of the Genome Aggregation Database. Multiple lines of computational evidence suggest the variant may impact the gene or gene product. The p.Ala1326Pro variant was identified in trans with a likely pathogenic variant. Based on the available evidence, the c.3976G>C (p.Ala1326Pro) variant is classified as a variant of uncertain significance for MYH3-associated skeletal disorders.

NM_002470.4(MYH3):c.3976G>C (p.Ala1326Pro)

Gene: MYH3 (myosin heavy chain 3; minus strand). Cytogenetic location: 17p13.1.
Variant type: single nucleotide variant.
Coding change: c.3976G>C on transcript NM_002470.4 (MANE Select); coding-DNA position 3976, G replaced by C.
Protein change: p.Ala1326Pro; replaces alanine 1326 with proline.
Molecular consequence: missense variant.
Genome position (GRCh38, 1-based): chr17:10,635,563, C>G on the plus strand (G>C on the coding strand, the complement: MYH3 is on the minus strand). VCF-style: chr17-10635563-C-G. GRCh37 (hg19) VCF-style: chr17-10538880-C-G.
Other names: short protein forms A1326P.
Identifiers: ClinVar variation 2637955 (VCV002637955.1), dbSNP rs2508583630, ClinGen allele CA398145999.
Genomic context (GRCh38, chr17:10,635,563, plus strand): 5'-CCCGCAGCAGGTCACAGTCGTGGCGGGAGGACTGCAGGGCGTGCGCCAGGGCGTTCTTGG[C>G]CTGCAGAAGTTAAAAAGAGAAGAGCACCTGATATATTTAGTGCCAGGTGCATGATACAAT-3'
Protein context (NP_002461.2, residues 1316-1336): LKRQLEEENK[Ala1326Pro]KNALAHALQS